The following is an entry in ClinVar:

NM_000540.3(RYR1):c.13918A>G (p.Met4640Val)

Gene: RYR1 (ryanodine receptor 1; plus strand). Cytogenetic location: 19q13.2.
Variant type: single nucleotide variant.
Coding change: c.13918A>G on transcript NM_000540.3 (MANE Select); coding-DNA position 13918, A replaced by G.
Protein change: p.Met4640Val; replaces methionine 4640 with valine.
Molecular consequence: missense variant.
Genome position (GRCh38, 1-based): chr19:38,572,190, A>G. VCF-style: chr19-38572190-A-G. GRCh37 (hg19) VCF-style: chr19-39062830-A-G.
Other names: NM_000540.3(RYR1):c.13918A>G; p.Met4640Val; c.13903A>G, p.Met4635Val (NM_001042723.2); short protein forms M4640V, M4635V.
Identifiers: ClinVar variation 803557 (VCV000803557.7), dbSNP rs756850145, ClinGen allele CA060644.

ClinVar aggregate classification (germline): Uncertain significance. Review status: reviewed by expert panel (3 of 4 stars). 4 submissions from 4 submitters: Uncertain significance (1). 3 of the submissions do not count toward it. Last evaluated 2025-08-01.

Conditions:
Malignant hyperthermia, susceptibility to, 1 (MHS1). Also called: RYR1-Related Malignant Hyperthermia Susceptibility; Anesthesia related hyperthermia; Malignant hyperpyrexia; Fulminating hyperpyrexia; Pharmacogenic myopathy; Malignant hyperthermia suceptibility 1. Identifiers: Orphanet 423, MedGen C2930980, MONDO:0007783, OMIM 145600.
Congenital multicore myopathy with external ophthalmoplegia (CMYO1B). Also called: Congenital myopathy 1B, autosomal recessive; Minicore myopathy; MULTICORE MYOPATHY; MULTIMINICORE DISEASE WITH EXTERNAL OPHTHALMOPLEGIA; Minicore myopathy with external ophthalmoplegia. Identifiers: Orphanet 598, Orphanet 98905, MedGen C1850674, MONDO:0009712, OMIM 255320, HP:0003789.
King Denborough syndrome (KDS). Identifiers: MedGen C1840365, MONDO:0020485, OMIM 619542.
Central core myopathy (CMYO1A). Also called: CONGENITAL MYOPATHY 1A, AUTOSOMAL DOMINANT, WITH SUSCEPTIBILITY TO MALIGNANT HYPERTHERMIA; Central core disease; Myopathy, central fibrillar. Identifiers: Orphanet 597, MedGen C5830701, MONDO:0007294, OMIM 117000.

Allele frequency attached by ClinVar (database versions not stated): gnomAD exomes below 0.00001; ExAC 0.00001.
gnomAD v4.1: 1 of 1,613,962 alleles (0.000062%); highest among the groups gnomAD compares: Non-Finnish European, 0.000085%; no homozygotes.

Submissions (4):

ClinGen Malignant Hyperthermia Susceptibility Variant Curation Expert Panel, ClinGen
Classification: Uncertain significance for Malignant hyperthermia, susceptibility to, 1. Last evaluated: 2025-08-01. Review status: reviewed by expert panel. Criteria: ClinGen MHS ACMG Specifications V2. Collection method: curation. Allele origin: germline. Inheritance: Autosomal dominant inheritance.
Comment: This pathogenicity assessment is relevant only for malignant hyperthermia susceptibility (MHS) inherited in an autosomal dominant pattern. Variants in RYR1 can also cause other myopathies inherited in an autosomal dominant pattern or in an autosomal recessive pattern. Some of these disorders may predispose individuals to malignant hyperthermia. RYR1 variants may also contribute to a malignant hyperthermia reaction in combination with other genetic and non-genetic factors and the clinician needs to consider such factors in making management decisions. This sequence variant predicts a substitution of methionine with valine at codon 4640 of the RYR1 protein, p.(Met4640Val). The maximum allele frequency for this variant among the six major gnomAD populations is NFE: 0.000009, a frequency consistent with pathogenicity for MHS. This variant has been reported in an individual with a personal or family history of an MH episode and a positive in vitro contracture test (IVCT) or caffeine halothane contracture test (CHCT) result (if the proband was unavailable for testing, a positive diagnostic test result in a mutation-positive relative was counted), PS4_Supporting (Heytens, 2019). No functional studies were identified for this variant. This variant resides in a region of RYR1 considered to be a hotspot for pathogenic variants that contribute to MHS, PM1_Sup (PMID: 21118704). A REVEL score >0.85 (0.911) supports a pathogenic status for this variant, PP3_Moderate. This variant has been classified as a Variant of Unknown Significance. Criteria implemented: PS4_Supporting, PM1_Supporting, PP3_Moderate.

The Central Laboratory of Birth Defects Prevention and Control, The Affiliated Women and Children's Hospital of Ningbo University
Classification: Likely pathogenic for Congenital multicore myopathy with external ophthalmoplegia. Last evaluated: 2025-11-28. Review status: criteria provided, single submitter. Criteria: ACMG Guidelines, 2015. Collection method: clinical testing. Allele origin: paternal. Affected: yes. Not counted in ClinVar's aggregate classification.
Comment: The NM_000540.3 c.13918A>G is a missense variant in RYR1 gene, and the frequency of this variant in the general population is 6.841e-7 by the whole exome dataset of gnomAD database, but has been identified in 0 of the East Asian population. In silico tool predictions suggest damaging effect of the variant on gene or gene product (REVEL: 0.911). At the same amino acids site, it leads to another amino acid variant c.13919T>G (p.Met4640Arg), which has been confirmed to be likely pathogenic.This variant has been reported in ClinVar as uncertain significance (Accession: VCV000803557.6). Based on the available evidence, this alteration is classified as Likely Pathogenic.

Mendelics
Classification: Likely pathogenic for Congenital multicore myopathy with external ophthalmoplegia. Last evaluated: 2025-11-17. Review status: criteria provided, single submitter. Criteria: Mendelics Assertion Criteria 2017. Collection method: clinical testing. Allele origin: unknown. Not counted in ClinVar's aggregate classification.
Comment: Variant NM_000540.3(RYR1):c.13918A>G (p.Met4640Val) has GnomAD v4.1.0 frequency of 6.196e-7 with one allele listed. The position and genomic context in which this change occurs are highly conserved among different biological species, and in silico predictors of pathogenicity suggest that it is potentially deleterious. This variant has not been previously described in the medical literature. However, a distinct single amino acid substitution (missense) variant (p.Met4640Arg) has been previously reported on at least one occasion associated with congenital central core myopathy (PMID:23183335). Additionally, missense variants have also been reported at nearby codons as pathogenic in individuals with central core myopathy, demonstrating that this is a functionally important domain of the protein. Thus, the combination of the molecular mechanism, characteristics of the region where it is located, and the correlation of this gene with clinical symptoms suggest that this variant is likely pathogenic.

Juno Genomics, Hangzhou Juno Genomics, Inc
Classification: Uncertain significance for Congenital multicore myopathy with external ophthalmoplegia; Central core myopathy; Malignant hyperthermia, susceptibility to, 1; King Denborough syndrome. Review status: criteria provided, single submitter. Criteria: ACMG Guidelines, 2015. Collection method: clinical testing. Allele origin: germline. Affected: yes. Not counted in ClinVar's aggregate classification.
Comment: Absent from controls (or at extremely low frequency if recessive) in Genome Aggregation Database, Exome Sequencing Project, 1000 Genomes Project, or Exome Aggregation Consortium.;Multiple lines of computational evidence support a deleterious effect on the gene or gene product (conservation, evolutionary, splicing impact, etc).;Novel missense change at an amino acid residue where a different missense change determined to be pathogenic has been seen before.

Literature cited by the submitters: PubMed 23183335 (cited by Mendelics).